The following is an entry in ClinVar:

NM_006767.4(LZTR1):c.1354A>C (p.Lys452Gln)

Gene: LZTR1 (leucine zipper like post translational regulator 1; plus strand). Cytogenetic location: 22q11.21.
Variant type: single nucleotide variant.
Coding change: c.1354A>C on transcript NM_006767.4 (MANE Select); coding-DNA position 1354, A replaced by C.
Protein change: p.Lys452Gln; replaces lysine 452 with glutamine.
Molecular consequence: missense variant.
Genome position (GRCh38, 1-based): chr22:20,993,924, A>C. VCF-style: chr22-20993924-A-C. GRCh37 (hg19) VCF-style: chr22-21348213-A-C.
Other names: short protein forms K452Q.
Identifiers: ClinVar variation 4101945 (VCV004101945.1).

ClinVar aggregate classification (germline): Uncertain significance (1 of 4 stars; one submission).

Conditions:
Cardiovascular phenotype. Identifiers: MedGen CN230736.
Hereditary cancer-predisposing syndrome. Also called: Tumor predisposition; Neoplastic Syndromes, Hereditary; Hereditary neoplastic syndrome; Hereditary Cancer Syndrome. Identifiers: Orphanet 140162, MedGen C0027672, MeSH D009386, MONDO:0015356.

Submission:

Ambry Genetics
Classification: Uncertain significance for Cardiovascular phenotype; Hereditary cancer-predisposing syndrome. Last evaluated: 2025-08-31. Review status: criteria provided, single submitter. Criteria: Ambry Variant Classification Scheme 2023. Collection method: clinical testing. Allele origin: germline.
Comment: The p.K452Q variant (also known as c.1354A>C) is located in coding exon 13 of the LZTR1 gene. The lysine at codon 452 is replaced by glutamine, an amino acid with similar properties. This change occurs in the first base pair of coding exon 13. This amino acid position is conserved. In addition, this alteration is predicted to be tolerated by in silico analysis. Based on the available evidence, the clinical significance of this variant remains unclear.